The following is an entry in ClinVar:

NM_003105.6(SORL1):c.528+2896T>C

Gene: SORL1 (sortilin related receptor 1; plus strand). Cytogenetic location: 11q24.1.
Variant type: single nucleotide variant.
Coding change: c.528+2896T>C on transcript NM_003105.6 (MANE Select); 2896 bases into the intron after coding-DNA position 528, T replaced by C.
Molecular consequence: intron variant.
Genome position (GRCh38, 1-based): chr11:121,481,139, T>C. VCF-style: chr11-121481139-T-C. GRCh37 (hg19) VCF-style: chr11-121351848-T-C.
Identifiers: ClinVar variation 2642472 (VCV002642472.24), dbSNP rs78970262, ClinGen allele CA229963647.
Genomic context (GRCh38, chr11:121,481,139, plus strand): 5'-CATCTCCTCCTCCCCAGCTCCTCCCCTAGTACACAGATACCTGTAGGCAGACTCCATCTC[T>C]TCTTCCCCAGCTTCTTCCGTAGTGCACAGATACCTATAGGCAGGCTCCATCTCCTCCTCC-3'

ClinVar aggregate classification (germline): Benign (1 of 4 stars; one submission).

Allele frequency attached by ClinVar (database versions not stated): gnomAD 0.00029; 1000 Genomes Project 30x 0.00109; 1000 Genomes Project 0.00140.
gnomAD v4.1: 31 of 104,960 alleles (0.03%); highest among the groups gnomAD compares: Admixed American, 0.11%; no homozygotes.

Submission:

CeGaT Center for Human Genetics Tuebingen
Classification: Benign. Last evaluated: 2022-10-01. Review status: criteria provided, single submitter. Criteria: CeGaT Center For Human Genetics Tuebingen Variant Classification Criteria Version 2. Collection method: clinical testing. Allele origin: germline. Affected: yes. Observed: 1 variant allele.
Comment: SORL1: BS1, BS2